The following is an entry in ClinVar:

ClinVar aggregate classification (germline): Benign. Review status: criteria provided, single submitter (1 of 4 stars). 2 submissions from 2 submitters: Benign (1). 1 of the submissions does not count toward it. Last evaluated 2025-11-24.

Conditions:
LAMA5-related disorder. Also called: LAMA5-Related Disorders; LAMA5-related condition.

Allele frequency attached by ClinVar (database versions not stated): 1000 Genomes Project 0.00140; gnomAD 0.00140; ESP Exome Variant Server 0.00147; TOPMed 0.00151; 1000 Genomes Project 30x 0.00172; ExAC 0.00185; gnomAD exomes 0.00234.
gnomAD v4.1: 3,582 of 1,610,824 alleles (0.22%); highest among the groups gnomAD compares: South Asian, 0.27%; 15 homozygotes.

Submissions (12):

Labcorp Genetics (formerly Invitae), Labcorp
Classification: Benign. Last evaluated: 2025-11-24. Review status: criteria provided, single submitter. Criteria: Invitae Variant Classification Sherloc (09022015). Collection method: clinical testing. Allele origin: germline.

PreventionGenetics, part of Exact Sciences
Classification: Likely benign for LAMA5-related condition. Last evaluated: 2022-12-19. Review status: no assertion criteria provided. Collection method: clinical testing. Allele origin: germline. Not counted in ClinVar's aggregate classification.
Comment: This variant is classified as likely benign based on ACMG/AMP sequence variant interpretation guidelines (Richards et al. 2015 PMID: 25741868, with internal and published modifications).

Dr. Peter K. Rogan Lab, Western University
No classification provided (evidence only). Condition: Clear cell carcinoma of kidney. Review status: no classification provided. Collection method: in vitro. Allele origin: not applicable. Functional consequence: retained intron. Not counted in ClinVar's aggregate classification.

Dr. Peter K. Rogan Lab, Western University
No classification provided (evidence only). Condition: Thyroid cancer, nonmedullary, 1. Review status: no classification provided. Collection method: in vitro. Allele origin: not applicable. Functional consequence: retained intron. Not counted in ClinVar's aggregate classification.

Dr. Peter K. Rogan Lab, Western University
No classification provided (evidence only). Condition: Cervical cancer. Review status: no classification provided. Collection method: in vitro. Allele origin: not applicable. Functional consequence: retained intron. Not counted in ClinVar's aggregate classification.

Dr. Peter K. Rogan Lab, Western University
No classification provided (evidence only). Condition: Cervical cancer. Review status: no classification provided. Collection method: in vitro. Allele origin: not applicable. Functional consequence: retained intron. Not counted in ClinVar's aggregate classification.

Dr. Peter K. Rogan Lab, Western University
No classification provided (evidence only). Condition: Thymoma. Review status: no classification provided. Collection method: in vitro. Allele origin: not applicable. Functional consequence: retained intron. Not counted in ClinVar's aggregate classification.

Dr. Peter K. Rogan Lab, Western University
No classification provided (evidence only). Condition: Ovarian serous cystadenocarcinoma. Review status: no classification provided. Collection method: in vitro. Allele origin: not applicable. Functional consequence: retained intron. Not counted in ClinVar's aggregate classification.

Dr. Peter K. Rogan Lab, Western University
No classification provided (evidence only). Condition: Gastric cancer. Review status: no classification provided. Collection method: in vitro. Allele origin: not applicable. Functional consequence: retained intron. Not counted in ClinVar's aggregate classification.

Dr. Peter K. Rogan Lab, Western University
No classification provided (evidence only). Condition: Gastric cancer. Review status: no classification provided. Collection method: in vitro. Allele origin: not applicable. Functional consequence: retained intron. Not counted in ClinVar's aggregate classification.

Dr. Peter K. Rogan Lab, Western University
No classification provided (evidence only). Condition: Adrenocortical carcinoma, hereditary. Review status: no classification provided. Collection method: in vitro. Allele origin: not applicable. Functional consequence: retained intron. Not counted in ClinVar's aggregate classification.

Dr. Peter K. Rogan Lab, Western University
No classification provided (evidence only). Condition: Malignant tumor of esophagus. Review status: no classification provided. Collection method: in vitro. Allele origin: not applicable. Functional consequence: retained intron. Not counted in ClinVar's aggregate classification.

NM_005560.6(LAMA5):c.10745G>A (p.Arg3582Gln)

Gene: LAMA5 (laminin subunit alpha 5; minus strand). Cytogenetic location: 20q13.33.
Variant type: single nucleotide variant.
Coding change: c.10745G>A on transcript NM_005560.6 (MANE Select); coding-DNA position 10745, G replaced by A.
Protein change: p.Arg3582Gln; replaces arginine 3582 with glutamine.
Molecular consequence: missense variant.
Genome position (GRCh38, 1-based): chr20:62,310,071, C>T on the plus strand (G>A on the coding strand, the complement: LAMA5 is on the minus strand). VCF-style: chr20-62310071-C-T. GRCh37 (hg19) VCF-style: chr20-60885127-C-T.
Other names: c.10745G>A (NM_005560.4); short protein forms R3582Q.
Identifiers: ClinVar variation 2047232 (VCV002047232.7), dbSNP rs146292551, ClinGen allele CA9939635.